The following is an entry in ClinVar:

NM_182746.3(MCM4):c.1209A>G (p.Pro403=)

Gene: MCM4 (minichromosome maintenance complex component 4; plus strand). Cytogenetic location: 8q11.21.
Variant type: single nucleotide variant.
Coding change: c.1209A>G on transcript NM_182746.3 (MANE Select); coding-DNA position 1209, A replaced by G.
Protein change: p.Pro403=; no amino-acid change (proline 403 retained).
Molecular consequence: synonymous variant.
Genome position (GRCh38, 1-based): chr8:47,969,832, A>G. VCF-style: chr8-47969832-A-G. GRCh37 (hg19) VCF-style: chr8-48882392-A-G.
Other names: c.1209A>G, p.Pro403= (LRG_1239t1, NM_005914.4).
Identifiers: ClinVar variation 363230 (VCV000363230.16), dbSNP rs17287656, ClinGen allele CA4742566.

ClinVar aggregate classification (germline): Benign. Review status: criteria provided, multiple submitters, no conflicts (2 of 4 stars). 3 submissions from 3 submitters: Benign (3). Last evaluated 2026-02-01.

Conditions:
Primary immunodeficiency with natural-killer cell deficiency and adrenal insufficiency (IMD54). Also called: Natural killer cell and glucocorticoid deficiency with DNA repair defect; IMMUNODEFICIENCY 54. Identifiers: Orphanet 75391, MedGen C1864947, MONDO:0012383, OMIM 609981.

Allele frequency attached by ClinVar (database versions not stated): gnomAD 0.00318 and 0.00382; TOPMed 0.00349; ESP Exome Variant Server 0.00384; gnomAD exomes 0.00524; ExAC 0.00563; 1000 Genomes Project 30x 0.00718; 1000 Genomes Project 0.00819.
gnomAD v4.1: 6,131 of 1,614,256 alleles (0.38%); highest among the groups gnomAD compares: South Asian, 2.5%; 63 homozygotes.

Submissions (3):

Labcorp Genetics (formerly Invitae), Labcorp
Classification: Benign. Last evaluated: 2026-02-01. Review status: criteria provided, single submitter. Criteria: Invitae Variant Classification Sherloc (09022015). Collection method: clinical testing. Allele origin: germline.

Illumina Laboratory Services, Illumina
Classification: Benign for Primary immunodeficiency with natural-killer cell deficiency and adrenal insufficiency. Last evaluated: 2018-01-13. Review status: criteria provided, single submitter. Criteria: ICSL Variant Classification Criteria 13 December 2019. Collection method: clinical testing. Allele origin: germline.
Comment: This variant was observed in the ICSL laboratory as part of a predisposition screen in an ostensibly healthy population. It had not been previously curated by ICSL or reported in the Human Gene Mutation Database (HGMD: prior to June 1st, 2018), and was therefore a candidate for classification through an automated scoring system. Utilizing variant allele frequency, disease prevalence and penetrance estimates, and inheritance mode, an automated score was calculated to assess if this variant is too frequent to cause the disease. Based on the score and internal cut-off values, a variant classified as benign is not then subjected to further curation. The score for this variant resulted in a classification of benign for this disease.

Breakthrough Genomics
Classification: Benign. Review status: criteria provided, single submitter. Criteria: ACMG Guidelines, 2015. Collection method: not provided. Allele origin: germline. Inheritance: Autosomal recessive inheritance. Affected: yes.